The following is an entry in ClinVar:

NM_000363.5(TNNI3):c.258C>G (p.Ala86=)

Gene: TNNI3 (troponin I3, cardiac type; minus strand). Cytogenetic location: 19q13.42.
Variant type: single nucleotide variant.
Coding change: c.258C>G on transcript NM_000363.5 (MANE Select); coding-DNA position 258, C replaced by G.
Protein change: p.Ala86=; no amino-acid change (alanine 86 retained).
Molecular consequence: synonymous variant.
Genome position (GRCh38, 1-based): chr19:55,156,225, G>C on the plus strand (C>G on the coding strand, the complement: TNNI3 is on the minus strand). VCF-style: chr19-55156225-G-C. GRCh37 (hg19) VCF-style: chr19-55667593-G-C.
Identifiers: ClinVar variation 764244 (VCV000764244.12), dbSNP rs727503508, ClinGen allele CA050917.
Genomic context (GRCh38, chr19:55,156,225, plus strand): 5'-CGGGACTAGAAACCTCGCATCCTTGGGAGCCGGTACCTGCAGCTCCGCGAAGCCCAGCCC[G>C]GCCAACTCCAGCGGCTGGCAGCGGGTGCTCAGAGCGCGCCCCTTCTCTCCGCGCCGCTCC-3'
Protein context (NP_000354.4, residues 76-96): LSTRCQPLEL[Ala86=]GLGFAELQDL

ClinVar aggregate classification (germline): Likely benign. Review status: criteria provided, multiple submitters, no conflicts (2 of 4 stars). 3 submissions from 3 submitters: Likely benign (3). Last evaluated 2025-11-06.

Conditions:
Hypertrophic cardiomyopathy. Also called: HYPERTROPHIC MYOCARDIOPATHY. Identifiers: Orphanet 217569, MedGen C0007194, MeSH D002312, MONDO:0005045, HP:0001639.
Cardiovascular phenotype. Identifiers: MedGen CN230736.

gnomAD v4.1: 2 of 1,612,680 alleles (0.00012%); highest among the groups gnomAD compares: Admixed American, 0.0033%; no homozygotes.

Submissions (3):

Labcorp Genetics (formerly Invitae), Labcorp
Classification: Likely benign for Hypertrophic cardiomyopathy. Last evaluated: 2025-11-06. Review status: criteria provided, single submitter. Criteria: Invitae Variant Classification Sherloc (09022015). Collection method: clinical testing. Allele origin: germline.

Ambry Genetics
Classification: Likely benign for Cardiovascular phenotype. Last evaluated: 2024-09-08. Review status: criteria provided, single submitter. Criteria: Ambry Variant Classification Scheme 2023. Collection method: clinical testing. Allele origin: germline.

All of Us Research Program, National Institutes of Health
Classification: Likely benign for Hypertrophic cardiomyopathy. Last evaluated: 2024-07-20. Review status: criteria provided, single submitter. Criteria: ACMG Guidelines, 2015. Collection method: clinical testing. Allele origin: germline. Inheritance: Autosomal dominant inheritance. Observed: 3 variant alleles, 3 heterozygotes.
Comment: This study involves interpretation of variants in research participants for the purpose of population health screening. Participant phenotype was not available at the time of variant classification. Additional details can be found in publication PMID: 35346344, PMCID: PMC8962531